The following is an entry in ClinVar:

NM_012213.3(MLYCD):c.796C>T (p.Gln266Ter)

Gene: MLYCD (malonyl-CoA decarboxylase; plus strand). Cytogenetic location: 16q23.3.
Variant type: single nucleotide variant.
Coding change: c.796C>T on transcript NM_012213.3 (MANE Select); coding-DNA position 796, C replaced by T.
Protein change: p.Gln266Ter; replaces glutamine 266 with a stop codon.
Molecular consequence: nonsense.
Genome position (GRCh38, 1-based): chr16:83,908,280, C>T. VCF-style: chr16-83908280-C-T. GRCh37 (hg19) VCF-style: chr16-83941885-C-T.
Other names: short protein forms Q266*.
Identifiers: ClinVar variation 3722308 (VCV003722308.2).
Genomic context (GRCh38, chr16:83,908,280, plus strand): 5'-CCTGGGGAGCCCCTGGTCGTTTTGCACGTGGCACTGACTGGTGACATCTCCAGCAACATC[C>T]AGGTACCTGCGATGGTCAATTCGGGACAAGATGGGCACCCCATAGAGCCCCTTGTGTTTT-3'

ClinVar aggregate classification (germline): Pathogenic (1 of 4 stars; one submission).

Conditions:
Deficiency of malonyl-CoA decarboxylase. Also called: Malonic aciduria; MCD deficiency. Identifiers: Orphanet 943, MedGen C0342793, MONDO:0009556, OMIM 248360.

Submission:

Labcorp Genetics (formerly Invitae), Labcorp
Classification: Pathogenic for Deficiency of malonyl-CoA decarboxylase. Last evaluated: 2024-07-15. Review status: criteria provided, single submitter. Criteria: Invitae Variant Classification Sherloc (09022015). Collection method: clinical testing. Allele origin: germline.
Comment: This sequence change creates a premature translational stop signal (p.Gln266*) in the MLYCD gene. It is expected to result in an absent or disrupted protein product. Loss-of-function variants in MLYCD are known to be pathogenic (PMID: 12955715, 17186413). This variant is not present in population databases (gnomAD no frequency). This premature translational stop signal has been observed in individual(s) with clinical features of malonyl-CoA decarboxylase deficiency (PMID: 17186413). For these reasons, this variant has been classified as Pathogenic.

Literature cited by the submitters: PubMed 12955715; PubMed 17186413.